The following is an entry in ClinVar:

NM_201253.3(CRB1):c.3110_3143dup (p.Ser1049fs)

Gene: CRB1 (crumbs cell polarity complex component 1; plus strand). Cytogenetic location: 1q31.3.
Variant type: Duplication.
Coding change: c.3110_3143dup on transcript NM_201253.3 (MANE Select); coding-DNA positions 3110 to 3143, 34 bases duplicated.
Protein change: p.Ser1049fs; shifts the reading frame from serine 1049.
Molecular consequence: frameshift variant. On other transcripts: non-coding transcript variant (2), intron variant (1).
Genome position (GRCh38, 1-based): chr1:197,434,973-197,435,006, 34 bases duplicated. GRCh37 (hg19): chr1:197,404,103-197,404,136.
Other names: c.2774_2807dup, p.Ser937fs (NM_001193640.2); c.3038_3071dup, p.Ser1025fs (NM_001257965.2); c.2129-627_2129-594dup (NM_001257966.2); short protein forms S1049fs, S1025fs, S937fs.
Identifiers: ClinVar variation 935258 (VCV000935258.9), dbSNP rs1665063400, ClinGen allele CA1139656480.
Genomic context (GRCh38, chr1:197,434,972, plus strand): 5'-AGCTTTTATATGCTAAGTCTGACAAGTTTGCAGTCAGTGAATGATGGCACATGGCACGAA[G>GTGACCCTTTCCATGACAGACCCACTGTCCCAGAC]TGACCCTTTCCATGACAGACCCACTGTCCCAGACCTCCAGGTGGCAAATGGAAGTGGACA-3'

ClinVar aggregate classification (germline): Pathogenic/Likely pathogenic. Review status: criteria provided, multiple submitters, no conflicts (2 of 4 stars). 3 submissions from 3 submitters: Pathogenic (2); Likely pathogenic (1). Last evaluated 2025-03-24.

Conditions:
CRB1-related disorder. Also called: CRB1-related condition; CRB1-related disorders.
Leber congenital amaurosis 8 (LCA8). Identifiers: Orphanet 65, MedGen C3151202, MONDO:0013453, OMIM 613835.
Retinitis pigmentosa 12 (RP12). Also called: RP WITH OR WITHOUT PPRPE; RP WITH OR WITHOUT PRESERVED PARAARTERIOLE RETINAL PIGMENT EPITHELIUM; RETINITIS PIGMENTOSA WITH OR WITHOUT PARAARTERIOLAR PRESERVATION OF RETINAL PIGMENT EPITHELIUM. Identifiers: Orphanet 791, MedGen C1838647, MONDO:0010818, OMIM 600105.

Allele frequency attached by ClinVar (database versions not stated): gnomAD exomes 0.00001.

Submissions (3):

Labcorp Genetics (formerly Invitae), Labcorp
Classification: Pathogenic for Leber congenital amaurosis 8; Retinitis pigmentosa 12. Last evaluated: 2025-03-24. Review status: criteria provided, single submitter. Criteria: Invitae Variant Classification Sherloc (09022015). Collection method: clinical testing. Allele origin: germline.
Comment: This sequence change creates a premature translational stop signal (p.Ser1049Aspfs*40) in the CRB1 gene. It is expected to result in an absent or disrupted protein product. Loss-of-function variants in CRB1 are known to be pathogenic (PMID: 10508521, 22065545, 23379534, 25412400, 26957898, 28041643, 29391521). This variant is not present in population databases (gnomAD no frequency). This variant has not been reported in the literature in individuals affected with CRB1-related conditions. ClinVar contains an entry for this variant (Variation ID: 935258). For these reasons, this variant has been classified as Pathogenic.

Baylor Genetics
Classification: Likely pathogenic for Leber congenital amaurosis 8. Last evaluated: 2024-01-08. Review status: criteria provided, single submitter. Criteria: ACMG Guidelines, 2015. Collection method: clinical testing. Allele origin: unknown.

Blueprint Genetics
Classification: Pathogenic for CRB1-related disorders. Last evaluated: 2020-08-14. Review status: criteria provided, single submitter. Criteria: ACMG Guidelines, 2015. Collection method: clinical testing. Allele origin: germline. Affected: yes. Observed: 5 variant alleles.

Literature cited by the submitters: PubMed 10508521 (cited by Labcorp Genetics (formerly Invitae), Labcorp); PubMed 22065545 (cited by Labcorp Genetics (formerly Invitae), Labcorp); PubMed 23379534 (cited by Labcorp Genetics (formerly Invitae), Labcorp); PubMed 25412400 (cited by Labcorp Genetics (formerly Invitae), Labcorp); PubMed 26957898 (cited by Labcorp Genetics (formerly Invitae), Labcorp); PubMed 28041643 (cited by Labcorp Genetics (formerly Invitae), Labcorp); PubMed 29391521 (cited by Labcorp Genetics (formerly Invitae), Labcorp).